The following is an entry in ClinVar:

NM_182914.3(SYNE2):c.7770C>G (p.Asp2590Glu)

Gene: SYNE2 (spectrin repeat containing nuclear envelope protein 2; plus strand). Cytogenetic location: 14q23.2.
Variant type: single nucleotide variant.
Coding change: c.7770C>G on transcript NM_182914.3 (MANE Select); coding-DNA position 7770, C replaced by G.
Protein change: p.Asp2590Glu; replaces aspartic acid 2590 with glutamic acid.
Molecular consequence: missense variant.
Genome position (GRCh38, 1-based): chr14:64,051,683, C>G. VCF-style: chr14-64051683-C-G. GRCh37 (hg19) VCF-style: chr14-64518401-C-G.
Other names: c.7770C>G, p.Asp2590Glu (NM_015180.6); short protein forms D2590E.
Identifiers: ClinVar variation 3341714 (VCV003341714.16).

ClinVar aggregate classification (germline): Uncertain significance (1 of 4 stars; one submission).

gnomAD v4.1: 2 of 1,614,072 alleles (0.00012%); highest among the groups gnomAD compares: East Asian, 0.0022%; no homozygotes.

Submission:

CeGaT Center for Human Genetics Tuebingen
Classification: Uncertain significance. Last evaluated: 2024-08-01. Review status: criteria provided, single submitter. Criteria: CeGaT Center For Human Genetics Tuebingen Variant Classification Criteria Version 2. Collection method: clinical testing. Allele origin: germline. Affected: yes. Observed: 1 variant allele.
Comment: SYNE2: PM2:Supporting, BP4